The following is an entry in ClinVar:

ClinVar aggregate classification (germline): Conflicting classifications of pathogenicity. Review status: criteria provided, conflicting classifications (1 of 4 stars). 3 submissions from 3 submitters: Pathogenic (1); Likely pathogenic (1); Uncertain significance (1). Last evaluated 2025-03-24.

Conditions:
Inborn genetic diseases. Identifiers: MedGen C0950123, MeSH D030342.

Allele frequency attached by ClinVar (database versions not stated): gnomAD exomes below 0.00001.
gnomAD v4.1: 1 of 1,560,358 alleles (0.000064%); highest among the groups gnomAD compares: Non-Finnish European, 0.000087%; no homozygotes.

Submissions (3):

GeneDx
Classification: Pathogenic. Last evaluated: 2025-03-24. Review status: criteria provided, single submitter. Criteria: GeneDx Variant Classification Process June 2021. Collection method: clinical testing. Allele origin: germline. Affected: yes.
Comment: Not observed at significant frequency in large population cohorts (gnomAD); In silico analysis supports that this missense variant has a deleterious effect on protein structure/function; In silico analysis suggests this variant may impact gene splicing. In the absence of RNA/functional studies, the actual effect of this sequence change is unknown.; Has not been previously published as pathogenic or benign to our knowledge

Laboratory of Genetics, Children's Clinical University Hospital Latvia
Classification: Likely pathogenic. Last evaluated: 2025-02-16. Review status: criteria provided, single submitter. Criteria: ACMG Guidelines, 2015. Collection method: clinical testing. Allele origin: germline. Affected: yes.

Ambry Genetics
Classification: Uncertain significance for Inborn genetic diseases. Last evaluated: 2024-03-29. Review status: criteria provided, single submitter. Criteria: Ambry Variant Classification Scheme 2023. Collection method: clinical testing. Allele origin: germline.
Comment: The c.5434G>A (p.E1812K) alteration is located in exon 15 (coding exon 15) of the SETD1B gene. This alteration results from a G to A substitution at nucleotide position 5434, causing the glutamic acid (E) at amino acid position 1812 to be replaced by a lysine (K). This variant was not reported in population-based cohorts in the Genome Aggregation Database (gnomAD). This amino acid position is highly conserved in available vertebrate species. This alteration is predicted to be deleterious by in silico analysis. In silico splice site analysis predicts that this alteration may result in the creation or strengthening of a novel splice donor site. Based on insufficient or conflicting evidence, the clinical significance of this alteration remains unclear.

NM_001353345.2(SETD1B):c.5563G>A (p.Glu1855Lys)

Gene: SETD1B (SET domain containing 1B, histone lysine methyltransferase; plus strand). Cytogenetic location: 12q24.31.
Variant type: single nucleotide variant.
Coding change: c.5563G>A on transcript NM_001353345.2 (MANE Select); coding-DNA position 5563, G replaced by A.
Protein change: p.Glu1855Lys; replaces glutamic acid 1855 with lysine.
Molecular consequence: missense variant.
Genome position (GRCh38, 1-based): chr12:121,827,828, G>A. VCF-style: chr12-121827828-G-A. GRCh37 (hg19) VCF-style: chr12-122265734-G-A.
Other names: NM_015048.1:c.5434G>A; c.5563G>A (NM_001353345.1); short protein forms E1855K.
Identifiers: ClinVar variation 3160626 (VCV003160626.4), dbSNP rs2500252673, ClinGen allele CA387004990.